The following is an entry in ClinVar:

ClinVar aggregate classification (germline): Uncertain significance (1 of 4 stars; one submission).

gnomAD v4.1: 1 of 1,569,498 alleles (0.000064%); highest among the groups gnomAD compares: Non-Finnish European, 0.000086%; no homozygotes.

Submission:

Labcorp Genetics (formerly Invitae), Labcorp
Classification: Uncertain significance. Last evaluated: 2022-05-07. Review status: criteria provided, single submitter. Criteria: Invitae Variant Classification Sherloc (09022015). Collection method: clinical testing. Allele origin: germline.
Comment: In summary, the available evidence is currently insufficient to determine the role of this variant in disease. Therefore, it has been classified as a Variant of Uncertain Significance. This sequence change replaces methionine, which is neutral and non-polar, with threonine, which is neutral and polar, at codon 588 of the RECQL protein (p.Met588Thr). This variant is not present in population databases (gnomAD no frequency). This variant has not been reported in the literature in individuals affected with RECQL-related conditions. Algorithms developed to predict the effect of missense changes on protein structure and function are either unavailable or do not agree on the potential impact of this missense change (SIFT: "Deleterious"; PolyPhen-2: "Possibly Damaging"; Align-GVGD: "Class C0").

NM_002907.4(RECQL):c.1763T>C (p.Met588Thr)

Genes: PYROXD1 (pyridine nucleotide-disulphide oxidoreductase domain 1; plus strand), RECQL (RecQ like helicase; minus strand). Cytogenetic location: 12p12.1.
Variant type: single nucleotide variant.
Coding change: c.1763T>C on transcript NM_002907.4 (MANE Select); coding-DNA position 1763, T replaced by C.
Protein change: p.Met588Thr; replaces methionine 588 with threonine.
Molecular consequence: missense variant. On other transcripts: 3 prime UTR variant (3).
Genome position (GRCh38, 1-based): chr12:21,471,003, A>G on the plus strand (T>C on the coding strand, the complement: RECQL is on the minus strand). VCF-style: chr12-21471003-A-G. GRCh37 (hg19) VCF-style: chr12-21623937-A-G.
Other names: c.1763T>C, p.Met588Thr (NM_032941.3); c.*2249A>G (NM_001350912.2, NM_001350913.2, NM_024854.5); short protein forms M588T.
Identifiers: ClinVar variation 2123635 (VCV002123635.4), dbSNP rs371403952, ClinGen allele CA384114450.